The following is an entry in ClinVar:

NM_058216.3(RAD51C):c.904+4G>A

Gene: RAD51C (RAD51 paralog C; plus strand). Cytogenetic location: 17q22.
Variant type: single nucleotide variant.
Coding change: c.904+4G>A on transcript NM_058216.3 (MANE Select); 4 bases into the intron after coding-DNA position 904, G replaced by A.
Molecular consequence: intron variant.
Genome position (GRCh38, 1-based): chr17:58,720,816, G>A. VCF-style: chr17-58720816-G-A. GRCh37 (hg19) VCF-style: chr17-56798177-G-A.
Other names: c.904+4G>A (NM_058216.2, NM_058216.1).
Identifiers: ClinVar variation 1925951 (VCV001925951.11), dbSNP rs2048894318, ClinGen allele CA2542485032.

ClinVar aggregate classification (germline): Conflicting classifications of pathogenicity. Review status: criteria provided, conflicting classifications (1 of 4 stars). 5 submissions from 5 submitters: Uncertain significance (2); Likely benign (3). Last evaluated 2025-11-02.

Conditions:
Fanconi anemia complementation group O. Also called: RAD51C-Related Fanconi Anemia. Identifiers: Orphanet 84, MedGen C3150653, MONDO:0013248, OMIM 613390.
Breast-ovarian cancer, familial, susceptibility to, 3. Also called: RAD51C-Related Breast/Ovarian Cancer. Identifiers: Orphanet 145, MedGen C3150659, MONDO:0013253, OMIM 613399.
RAD51C-related disorder. Also called: RAD51C-related disorders; RAD51C-related condition.
Hereditary cancer-predisposing syndrome. Also called: Hereditary neoplastic syndrome; Hereditary Cancer Syndrome; Neoplastic Syndromes, Hereditary; Tumor predisposition. Identifiers: Orphanet 140162, MedGen C0027672, MeSH D009386, MONDO:0015356.

Allele frequency attached by ClinVar (database versions not stated): gnomAD exomes below 0.00001.
gnomAD v4.1: 1 of 1,604,040 alleles (0.000062%); highest among the groups gnomAD compares: Non-Finnish European, 0.000085%; no homozygotes.

Submissions (5):

PreventionGenetics, part of Exact Sciences
Classification: Uncertain significance for RAD51C-related condition. Last evaluated: 2025-11-02. Review status: criteria provided, single submitter. Criteria: ACMG Guidelines, 2015. Collection method: clinical testing. Allele origin: germline.
Comment: The RAD51C c.904+4G>A variant is predicted to interfere with splicing. To our knowledge, this variant has not been reported in the literature or in a large population database (gnomAD), indicating this variant is rare. This variant has conflicting classifications in ClinVar ranging from likely benign to uncertain significance (Variation ID: 1925951). Although we suspect that this variant may be benign, at this time, the clinical significance of this variant is uncertain due to the absence of conclusive functional and genetic evidence.

Labcorp Genetics (formerly Invitae), Labcorp
Classification: Likely benign for Fanconi anemia complementation group O. Last evaluated: 2025-03-05. Review status: criteria provided, single submitter. Criteria: Invitae Variant Classification Sherloc (09022015). Collection method: clinical testing. Allele origin: germline.

Myriad Genetics, Inc.
Classification: Likely benign for Breast-ovarian cancer, familial, susceptibility to, 3. Last evaluated: 2025-02-19. Review status: criteria provided, single submitter. Criteria: Myriad Autosomal Dominant, Autosomal Recessive and X-Linked Classification Criteria (2023). Collection method: clinical testing. Allele origin: unknown.
Comment: This variant is considered likely benign. This variant is intronic and is not expected to impact mRNA splicing.

Color Diagnostics, LLC DBA Color Health
Classification: Likely benign for Hereditary cancer-predisposing syndrome. Last evaluated: 2023-09-13. Review status: criteria provided, single submitter. Criteria: ACMG Guidelines, 2015. Collection method: clinical testing. Allele origin: germline.

Ambry Genetics
Classification: Uncertain significance for Hereditary cancer-predisposing syndrome. Last evaluated: 2023-04-17. Review status: criteria provided, single submitter. Criteria: Ambry Variant Classification Scheme 2023. Collection method: clinical testing. Allele origin: germline.
Comment: The c.904+4G>A intronic variant results from a G to A substitution 4 nucleotides after coding exon 6 in the RAD51C gene. This nucleotide position is well conserved in available vertebrate species. In silico splice site analysis predicts that this alteration will not have any significant effect on splicing. Since supporting evidence is limited at this time, the clinical significance of this alteration remains unclear.